The following is an entry in ClinVar:

NM_001024630.4(RUNX2):c.597G>T (p.Leu199Phe)

Gene: RUNX2 (RUNX family transcription factor 2; plus strand). Cytogenetic location: 6p21.1.
Variant type: single nucleotide variant.
Coding change: c.597G>T on transcript NM_001024630.4 (MANE Select); coding-DNA position 597, G replaced by T.
Protein change: p.Leu199Phe; replaces leucine 199 with phenylalanine.
Molecular consequence: missense variant.
Genome position (GRCh38, 1-based): chr6:45,437,963, G>T. VCF-style: chr6-45437963-G-T. GRCh37 (hg19) VCF-style: chr6-45405700-G-T.
Other names: c.597G>T, p.Leu199Phe (NM_001015051.4); c.555G>T, p.Leu185Phe (NM_001278478.2, NM_001369405.1); short protein forms L185F, L199F.
Identifiers: ClinVar variation 1067410 (VCV001067410.9), dbSNP rs2150371841, ClinGen allele CA363955106.
Genomic context (GRCh38, chr6:45,437,963, plus strand): 5'-GTTTTTTAATATTCACTGTATATTTTCCCCTTTTATATCTGCAGGCAAGAGTTTCACCTT[G>T]ACCATAACCGTCTTCACAAATCCTCCCCAAGTAGCTACCTATCACAGAGCAATTAAAGTT-3'
Protein context (NP_001019801.3, residues 189-209): GRSGRGKSFT[Leu199Phe]TITVFTNPPQ

ClinVar aggregate classification (germline): Likely pathogenic (1 of 4 stars; one submission).

Submission:

Labcorp Genetics (formerly Invitae), Labcorp
Classification: Likely pathogenic. Last evaluated: 2022-01-13. Review status: criteria provided, single submitter. Criteria: Invitae Variant Classification Sherloc (09022015). Collection method: clinical testing. Allele origin: germline.
Comment: Experimental studies have shown that this missense change affects RUNX2 function (PMID: 10545612, 23558979). This sequence change replaces leucine, which is neutral and non-polar, with phenylalanine, which is neutral and non-polar, at codon 199 of the RUNX2 protein (p.Leu199Phe). This variant is not present in population databases (gnomAD no frequency). This missense change has been observed in individual(s) with cleidocranial dysplasia (PMID: 10545612; Invitae). In at least one individual the variant was observed to be de novo. ClinVar contains an entry for this variant (Variation ID: 1067410). Algorithms developed to predict the effect of missense changes on protein structure and function are either unavailable or do not agree on the potential impact of this missense change (SIFT: "Deleterious"; PolyPhen-2: "Probably Damaging"; Align-GVGD: "Class C15"). In summary, the currently available evidence indicates that the variant is pathogenic, but additional data are needed to prove that conclusively. Therefore, this variant has been classified as Likely Pathogenic.

Literature cited by the submitters: PubMed 10545612; PubMed 23558979.